The following is an entry in ClinVar:

ClinVar aggregate classification (germline): Uncertain significance. Review status: criteria provided, single submitter (1 of 4 stars). 2 submissions from 2 submitters: Uncertain significance (1). 1 of the submissions does not count toward it. Last evaluated 2022-09-23.

Conditions:
Meniere disease. Also called: Ménière's disease. Identifiers: MedGen C0025281, MONDO:0007972, OMIM 156000.

Allele frequency attached by ClinVar (database versions not stated): gnomAD exomes 0.00001; TOPMed 0.00001.
gnomAD v4.1: 3 of 1,614,086 alleles (0.00019%); highest among the groups gnomAD compares: Admixed American, 0.005%; no homozygotes.

Submissions (2):

Labcorp Genetics (formerly Invitae), Labcorp
Classification: Uncertain significance. Last evaluated: 2022-09-23. Review status: criteria provided, single submitter. Criteria: Invitae Variant Classification Sherloc (09022015). Collection method: clinical testing. Allele origin: germline.
Comment: This sequence change replaces glycine, which is neutral and non-polar, with alanine, which is neutral and non-polar, at codon 182 of the MYH3 protein (p.Gly182Ala). In summary, the available evidence is currently insufficient to determine the role of this variant in disease. Therefore, it has been classified as a Variant of Uncertain Significance. Algorithms developed to predict the effect of missense changes on protein structure and function (SIFT, PolyPhen-2, Align-GVGD) all suggest that this variant is likely to be disruptive. This variant has not been reported in the literature in individuals affected with MYH3-related conditions. This variant is present in population databases (no rsID available, gnomAD 0.01%).

Center for Computational Biology & Bioinformatics, University of California, San Diego
Classification: Uncertain significance for Meniere disease. Last evaluated: 2024-06-03. Review status: no assertion criteria provided. Collection method: research. Allele origin: germline. Affected: yes. Not counted in ClinVar's aggregate classification.

NM_002470.4(MYH3):c.545G>C (p.Gly182Ala)

Gene: MYH3 (myosin heavy chain 3; minus strand). Cytogenetic location: 17p13.1.
Variant type: single nucleotide variant.
Coding change: c.545G>C on transcript NM_002470.4 (MANE Select); coding-DNA position 545, G replaced by C.
Protein change: p.Gly182Ala; replaces glycine 182 with alanine.
Molecular consequence: missense variant.
Genome position (GRCh38, 1-based): chr17:10,649,674, C>G on the plus strand (G>C on the coding strand, the complement: MYH3 is on the minus strand). VCF-style: chr17-10649674-C-G. GRCh37 (hg19) VCF-style: chr17-10552991-C-G.
Other names: short protein forms G182A.
Identifiers: ClinVar variation 1927277 (VCV001927277.6), dbSNP rs1196490495, ClinGen allele CA398111573.
Genomic context (GRCh38, chr17:10,649,674, plus strand): 5'-GTAGCTGCAATTGTTGCAAAGTACTGGATGACCCGTTTGGTGTTCACAGTCTTTCCTGCC[C>G]CGGATTCTCCGCTGTACAGAGTGATCAAAAGAGAGAGAAAGAAACAAGTCTGTTAGTATA-3'
Protein context (NP_002461.2, residues 172-192): NQSILITGES[Gly182Ala]AGKTVNTKRV